The following is an entry in ClinVar:

ClinVar aggregate classification (germline): Likely pathogenic (1 of 4 stars; one submission).

Conditions:
Neuronal ceroid lipofuscinosis. Also called: Neuronal Ceroid Lipofuscinoses. Identifiers: Orphanet 216, Orphanet 79263, MedGen C0027877, MONDO:0016295. Disease mechanism: loss of function.

Submission:

Women's Health and Genetics/Laboratory Corporation of America, LabCorp
Classification: Likely pathogenic for Neuronal ceroid lipofuscinosis. Last evaluated: 2022-07-08. Review status: criteria provided, single submitter. Criteria: LabCorp Variant Classification Summary - May 2015. Collection method: clinical testing. Allele origin: germline.
Comment: Variant summary: CTSF c.264delC (p.Cys89AlafsX59) results in a premature termination codon, predicted to cause a truncation of the encoded protein or absence of the protein due to nonsense mediated decay, which are commonly known mechanisms for disease. Truncation at the same position has been classified as likely pathogenic internally. Truncations downstream of this position have been classified as pathogenic/likely pathogenic in ClinVar. The variant was absent in 238992 control chromosomes (gnomAD). To our knowledge, no occurrence of c.264delC in individuals affected with Neuronal Ceroid-Lipofuscinosis (Batten Disease) and no experimental evidence demonstrating its impact on protein function have been reported. No clinical diagnostic laboratories have submitted clinical-significance assessments for this variant to ClinVar after 2014. Based on the evidence outlined above, the variant was classified as likely pathogenic.

NM_003793.4(CTSF):c.264del (p.Cys89fs)

Gene: CTSF (cathepsin F; minus strand). Cytogenetic location: 11q13.2.
Variant type: Deletion.
Coding change: c.264del on transcript NM_003793.4 (MANE Select); coding-DNA position 264, one base deleted (C; older notation c.264delC).
Protein change: p.Cys89fs; shifts the reading frame from cysteine 89.
Molecular consequence: frameshift variant.
Genome position (GRCh38, 1-based): chr11:66,568,032, G deleted on the plus strand (C on the coding strand, the reverse complement: CTSF is on the minus strand); the first of 3 consecutive G bases (chr11:66,568,032-66,568,034); deleting any one gives the same sequence. VCF-style (leftmost placement, unchanged base first): chr11-66568031-AG-A. GRCh37 (hg19) VCF-style: chr11-66335502-AG-A.
Other names: short protein forms C89fs.
Identifiers: ClinVar variation 1704534 (VCV001704534.1), dbSNP rs2495284476, ClinGen allele CA2580084554.